The following is an entry in ClinVar:

NM_003628.6(PKP4):c.1557C>A (p.Asp519Glu)

Gene: PKP4 (plakophilin 4; plus strand). Cytogenetic location: 2q24.1.
Variant type: single nucleotide variant.
Coding change: c.1557C>A on transcript NM_003628.6 (MANE Select); coding-DNA position 1557, C replaced by A.
Protein change: p.Asp519Glu; replaces aspartic acid 519 with glutamic acid.
Molecular consequence: missense variant.
Genome position (GRCh38, 1-based): chr2:158,634,284, C>A. VCF-style: chr2-158634284-C-A. GRCh37 (hg19) VCF-style: chr2-159490796-C-A.
Other names: c.1557C>A, p.Asp519Glu (NM_001005476.4, NM_001304971.2, NM_001377218.1 and 1 more transcripts); c.1554C>A, p.Asp518Glu (NM_001304969.3, NM_001377219.1, NM_001377220.1 and 2 more transcripts); c.528C>A, p.Asp176Glu (NM_001304970.3); c.1551C>A, p.Asp517Glu (NM_001377222.1, NM_001377223.1); c.1548C>A, p.Asp516Glu (NM_001377224.1); short protein forms D517E, D518E, D516E, D176E, D519E.
Identifiers: ClinVar variation 3419638 (VCV003419638.1).

ClinVar aggregate classification (germline): Uncertain significance (1 of 4 stars; one submission).

gnomAD v4.1: 28 of 1,613,202 alleles (0.0017%); highest among the groups gnomAD compares: Non-Finnish European, 0.0022%; no homozygotes.

Submission:

Ambry Genetics
Classification: Uncertain significance. Last evaluated: 2024-11-03. Review status: criteria provided, single submitter. Criteria: Ambry Variant Classification Scheme 2023. Collection method: clinical testing. Allele origin: germline.
Comment: The p.D519E variant (also known as c.1557C>A), located in coding exon 8 of the PKP4 gene, results from a C to A substitution at nucleotide position 1557. The aspartic acid at codon 519 is replaced by glutamic acid, an amino acid with highly similar properties. This amino acid position is conserved. In addition, the in silico prediction for this alteration is inconclusive. Based on the available evidence, the clinical significance of this variant remains unclear.